The following is an entry in ClinVar:

NM_000203.5(IDUA):c.399G>C (p.Met133Ile)

Gene: IDUA (alpha-L-iduronidase; plus strand). Cytogenetic location: 4p16.3.
Variant type: single nucleotide variant.
Coding change: c.399G>C on transcript NM_000203.5 (MANE Select); coding-DNA position 399, G replaced by C.
Protein change: p.Met133Ile; replaces methionine 133 with isoleucine.
Molecular consequence: missense variant. On other transcripts: initiator codon variant (1), non-coding transcript variant (1).
Genome position (GRCh38, 1-based): chr4:1,000,895, G>C. VCF-style: chr4-1000895-G-C. GRCh37 (hg19) VCF-style: chr4-994683-G-C.
Other names: c.3G>C, p.Met1Ile (NM_001363576.1); short protein forms M133I, M1I.
Identifiers: ClinVar variation 552254 (VCV000552254.6), dbSNP rs558683362, ClinGen allele CA355961306.
Genomic context (GRCh38, chr4:1,000,895, plus strand): 5'-TGGGTGTGGTGTGTGGTGGGCGGTGGGGCAGCCCTCCTGTGTTCCAGGGTTTGAGCTGAT[G>C]GGCAGCGCCTCGGGCCACTTCACTGACTTTGAGGACAAGCAGCAGGTGTTTGAGTGGAAG-3'
Protein context (NP_000194.2, residues 123-143): ENQLLPGFEL[Met133Ile]GSASGHFTDF

ClinVar aggregate classification (germline): Uncertain significance. Review status: criteria provided, single submitter (1 of 4 stars). 2 submissions from 2 submitters: Uncertain significance (1). 1 of the submissions does not count toward it. Last evaluated 2023-09-07.

Conditions:
Mucopolysaccharidosis type 1. Also called: Mucopolysaccharidosis Type I; IDUA deficiency; MPS I. Identifiers: Orphanet 579, MedGen C0023786, MONDO:0001586.
Hurler syndrome. Also called: Gargoylism, Hurler Syndrome; MUCOPOLYSACCHARIDOSIS TYPE IH; Severe MPS I (Hurler Syndrome). Identifiers: Orphanet 93473, MedGen C0086795, MONDO:0011758, OMIM 607014.

Allele frequency attached by ClinVar (database versions not stated): gnomAD exomes below 0.00001.

Submissions (2):

Labcorp Genetics (formerly Invitae), Labcorp
Classification: Uncertain significance for Mucopolysaccharidosis type 1. Last evaluated: 2023-09-07. Review status: criteria provided, single submitter. Criteria: Invitae Variant Classification Sherloc (09022015). Collection method: clinical testing. Allele origin: germline.
Comment: This missense change has been observed in individual(s) with MPS I (PMID: 12559846, 22976768, 25614311). In summary, the available evidence is currently insufficient to determine the role of this variant in disease. Therefore, it has been classified as a Variant of Uncertain Significance. Advanced modeling of protein sequence and biophysical properties (such as structural, functional, and spatial information, amino acid conservation, physicochemical variation, residue mobility, and thermodynamic stability) has been performed at Invitae for this missense variant, however the output from this modeling did not meet the statistical confidence thresholds required to predict the impact of this variant on IDUA protein function. ClinVar contains an entry for this variant (Variation ID: 552254). This variant is present in population databases (no rsID available, gnomAD 0.0009%). This sequence change replaces methionine, which is neutral and non-polar, with isoleucine, which is neutral and non-polar, at codon 133 of the IDUA protein (p.Met133Ile).

Counsyl
Classification: Uncertain significance for Hurler syndrome. Last evaluated: 2017-06-08. Review status: no assertion criteria provided. Collection method: clinical testing. Allele origin: unknown. Not counted in ClinVar's aggregate classification.

Literature cited by the submitters: PubMed 12559846 (cited by Labcorp Genetics (formerly Invitae), Labcorp and Counsyl); PubMed 22976768 (cited by Labcorp Genetics (formerly Invitae), Labcorp and Counsyl); PubMed 25614311 (cited by Labcorp Genetics (formerly Invitae), Labcorp and Counsyl); PubMed 24036510 (cited by Counsyl).